The following is an entry in ClinVar:

NM_001127392.3(MYRF):c.1318_1319delinsA (p.Ala440fs)

Gene: MYRF (myelin regulatory factor; plus strand). Cytogenetic location: 11q12.2.
Variant type: Indel.
Coding change: c.1318_1319delinsA on transcript NM_001127392.3 (MANE Select); coding-DNA positions 1318 to 1319, GC replaced by A.
Protein change: p.Ala440fs; shifts the reading frame from alanine 440.
Molecular consequence: frameshift variant.
Genome position (GRCh38, 1-based): chr11:61,776,062-61,776,063, GC replaced by A. VCF-style: chr11-61776062-GC-A. GRCh37 (hg19) VCF-style: chr11-61543534-GC-A.
Other names: c.1291_1292delinsA, p.Ala431fs (NM_013279.4); short protein forms A431fs, A440fs.
Identifiers: ClinVar variation 3062253 (VCV003062253.1), dbSNP rs2540946087, ClinGen allele CA2740093048.
Genomic context (GRCh38, chr11:61,776,062, plus strand): 5'-CAGGACCAGCCGGGTAGCCCCATCCTGAGGTGCCACTGGCTTCACTCCCCACAGCTGGAG[GC>A]CCTGAACCAGTCCATTAACATCGAGCAGTCCCAGTCAGACCGGAGCAAGCGGCCCTTCAA-3'

ClinVar aggregate classification (germline): Likely pathogenic (1 of 4 stars; one submission).

Conditions:
Cardiac-urogenital syndrome (CUGS). Also called: MYRF-Related Cardiac Urogenital Syndrome. Identifiers: Orphanet 647811, MedGen C4748946, MONDO:0032653, OMIM 618280.

Submission:

Molecular Genetics Department, Kulakov National Medical Research Center for Obstetrics, Gynecology and Perinatology
Classification: Likely pathogenic for Cardiac-urogenital syndrome. Review status: criteria provided, single submitter. Criteria: ACMG Guidelines, 2015. Collection method: clinical testing. Allele origin: germline. Affected: yes.
Comment: A previously undescribed nucleotide variant creates a frameshift p.Ala440fs in the MYRF gene. Loss-of-function variants are reported in patients with Cardiac-urogenital syndrome, 618280. The variant is not present in population database (gnomAD no frequency). In summary, the currently available evidence indicates that the variant is pathogenic, but additional data are needed to prove that conclusively. Therefore, this variant has been classified as likely pathogenic.